The following is an entry in ClinVar:

ClinVar aggregate classification (germline): Uncertain significance (1 of 4 stars; one submission).

Conditions:
Charcot-Marie-Tooth disease axonal type 2C (HMSN2C). Also called: Charcot-Marie-Tooth Disease Type 2, TRPV4-Related (CMT2C); CHARCOT-MARIE-TOOTH DISEASE, AXONAL, AUTOSOMAL DOMINANT, TYPE 2C; Charcot-Marie-Tooth Neuropathy Type 2C. Identifiers: Orphanet 99937, MedGen C1853710, MONDO:0011633, OMIM 606071.

Submission:

Labcorp Genetics (formerly Invitae), Labcorp
Classification: Uncertain significance for Charcot-Marie-Tooth disease axonal type 2C. Last evaluated: 2023-07-28. Review status: criteria provided, single submitter. Criteria: Invitae Variant Classification Sherloc (09022015). Collection method: clinical testing. Allele origin: germline.
Comment: In summary, the available evidence is currently insufficient to determine the role of this variant in disease. Therefore, it has been classified as a Variant of Uncertain Significance. Advanced modeling of protein sequence and biophysical properties (such as structural, functional, and spatial information, amino acid conservation, physicochemical variation, residue mobility, and thermodynamic stability) has been performed at Invitae for this missense variant, however the output from this modeling did not meet the statistical confidence thresholds required to predict the impact of this variant on TRPV4 protein function. This variant has not been reported in the literature in individuals affected with TRPV4-related conditions. This variant is not present in population databases (gnomAD no frequency). This sequence change replaces aspartic acid, which is acidic and polar, with glycine, which is neutral and non-polar, at codon 682 of the TRPV4 protein (p.Asp682Gly).

NM_021625.5(TRPV4):c.2045A>G (p.Asp682Gly)

Gene: TRPV4 (transient receptor potential cation channel subfamily V member 4; minus strand). Cytogenetic location: 12q24.11.
Variant type: single nucleotide variant.
Coding change: c.2045A>G on transcript NM_021625.5 (MANE Select); coding-DNA position 2045, A replaced by G.
Protein change: p.Asp682Gly; replaces aspartic acid 682 with glycine.
Molecular consequence: missense variant.
Genome position (GRCh38, 1-based): chr12:109,788,563, T>C on the plus strand (A>G on the coding strand, the complement: TRPV4 is on the minus strand). VCF-style: chr12-109788563-T-C. GRCh37 (hg19) VCF-style: chr12-110226368-T-C.
Other names: c.1904A>G, p.Asp635Gly (NM_001177428.2); c.1943A>G, p.Asp648Gly (NM_001177431.2); c.1724A>G, p.Asp575Gly (NM_001177433.2); c.1865A>G, p.Asp622Gly (NM_147204.3); short protein forms D622G, D648G, D682G, D635G, D575G.
Identifiers: ClinVar variation 2747576 (VCV002747576.3), dbSNP rs1160858481, ClinGen allele CA386650472.